The following is an entry in ClinVar:

NM_001082486.2(ACD):c.482C>T (p.Ser161Leu)

Gene: ACD (ACD shelterin complex subunit and telomerase recruitment factor; minus strand). Cytogenetic location: 16q22.1.
Variant type: single nucleotide variant.
Coding change: c.482C>T on transcript NM_001082486.2 (MANE Select); coding-DNA position 482, C replaced by T.
Protein change: p.Ser161Leu; replaces serine 161 with leucine.
Molecular consequence: missense variant.
Genome position (GRCh38, 1-based): chr16:67,659,240, G>A on the plus strand (C>T on the coding strand, the complement: ACD is on the minus strand). VCF-style: chr16-67659240-G-A. GRCh37 (hg19) VCF-style: chr16-67693143-G-A.
Other names: c.482C>T, p.Ser161Leu (LRG_1237t1); c.473C>T, p.Ser158Leu (NM_022914.3); short protein forms S161L, S158L.
Identifiers: ClinVar variation 578793 (VCV000578793.13), dbSNP rs149051014, ClinGen allele CA8114660.
Genomic context (GRCh38, chr16:67,659,240, plus strand): 5'-AGAGATCACTGCACAGCGTGTTAGGATCACTGGTCAAGCTCTACAGTACCTGCATTGGAC[G>A]AGGTGGACTCTGAAAGGTGCTCCCTACAGGAAGAGAGTGGCCAGGACTCAGGAACCATGC-3'
Protein context (NP_001075955.2, residues 151-171): CLEEHLSEST[Ser161Leu]SNAGLSLSQL

ClinVar aggregate classification (germline): Uncertain significance. Review status: criteria provided, multiple submitters, no conflicts (2 of 4 stars). 4 submissions from 4 submitters: Uncertain significance (3). 1 of the submissions does not count toward it. Last evaluated 2025-12-21.

Conditions:
Dyskeratosis congenita, autosomal dominant 6 (DKCA6). Identifiers: Orphanet 3322, MedGen C4225284, MONDO:0014690, OMIM 616553.

Allele frequency attached by ClinVar (database versions not stated): gnomAD exomes 0.00016; TOPMed 0.00017; ESP Exome Variant Server 0.00031; gnomAD 0.00013.
gnomAD v4.1: 607 of 1,613,988 alleles (0.038%); highest among the groups gnomAD compares: Non-Finnish European, 0.049%; no homozygotes.

Submissions (4):

Labcorp Genetics (formerly Invitae), Labcorp
Classification: Uncertain significance for Dyskeratosis congenita, autosomal dominant 6. Last evaluated: 2025-12-21. Review status: criteria provided, single submitter. Criteria: Invitae Variant Classification Sherloc (09022015). Collection method: clinical testing. Allele origin: germline.
Comment: This sequence change replaces serine, which is neutral and polar, with leucine, which is neutral and non-polar, at codon 247 of the ACD protein (p.Ser247Leu). This variant is present in population databases (rs149051014, gnomAD 0.03%). This variant has not been reported in the literature in individuals affected with ACD-related conditions. ClinVar contains an entry for this variant (Variation ID: 578793). Invitae Evidence Modeling of protein sequence and biophysical properties (such as structural, functional, and spatial information, amino acid conservation, physicochemical variation, residue mobility, and thermodynamic stability) indicates that this missense variant is not expected to disrupt ACD protein function with a negative predictive value of 80%. Algorithms developed to predict the effect of sequence changes on RNA splicing suggest that this variant may disrupt the consensus splice site. In summary, the available evidence is currently insufficient to determine the role of this variant in disease. Therefore, it has been classified as a Variant of Uncertain Significance.

GeneDx
Classification: Uncertain significance. Last evaluated: 2025-03-14. Review status: criteria provided, single submitter. Criteria: GeneDx Variant Classification Process June 2021. Collection method: clinical testing. Allele origin: germline. Affected: yes.
Comment: In silico analysis supports that this missense variant has a deleterious effect on protein structure/function; Has not been previously published as pathogenic or benign to our knowledge

Revvity Omics, Revvity
Classification: Uncertain significance for Dyskeratosis congenita, autosomal dominant 6. Last evaluated: 2021-04-29. Review status: criteria provided, single submitter. Criteria: ACMG Guidelines, 2015. Collection method: clinical testing. Allele origin: germline.

Department of Pathology and Laboratory Medicine, Sinai Health System
Classification: Uncertain significance. Review status: no assertion criteria provided. Collection method: clinical testing. Allele origin: unknown. Affected: yes. Study: The Canadian Open Genetics Repository (COGR). Not counted in ClinVar's aggregate classification.
Comment: The ACD p.Ala161Val variant was not identified in the literature nor was it identified in ClinVar, Cosmic or LOVD 3.0. The variant was identified in dbSNP (ID: rs1294310914) but was not identified in the following control databases: the 1000 Genomes Project, the NHLBI GO Exome Sequencing Project, the Exome Aggregation Consortium (August 8th 2016), or the Genome Aggregation Database (Feb 27, 2017). The p.Ala161 residue is conserved in mammals and computational analyses (PolyPhen-2, SIFT, AlignGVGD, BLOSUM, MutationTaster) provide inconsistent predictions regarding the impact to the protein; this information is not very predictive of pathogenicity. The variant occurs outside of the splicing consensus sequence and in silico or computational prediction software programs (SpliceSiteFinder, MaxEntScan, NNSPLICE, GeneSplicer) do not predict a difference in splicing. In summary, based on the above information the clinical significance of this variant cannot be determined with certainty at this time. This variant is classified as a variant of uncertain significance.